The following is an entry in ClinVar:

ClinVar aggregate classification (germline): Uncertain significance (1 of 4 stars; one submission).

Conditions:
Cardiovascular phenotype. Identifiers: MedGen CN230736.

Submission:

Ambry Genetics
Classification: Uncertain significance for Cardiovascular phenotype. Last evaluated: 2026-06-01. Review status: criteria provided, single submitter. Criteria: Ambry Variant Classification Scheme 2023. Collection method: clinical testing. Allele origin: germline.
Comment: The c.-4G>A variant is located in the 5' untranslated region (5&rsquo; UTR) of the PTPN11 gene. This variant results from a G to A substitution 4 bases upstream from the first translated codon. This nucleotide position is highly conserved in available vertebrate species. Based on the available evidence, the clinical significance of this variant remains unclear.

NM_002834.5(PTPN11):c.-4G>A

Gene: PTPN11 (protein tyrosine phosphatase non-receptor type 11; plus strand). Cytogenetic location: 12q24.13.
Variant type: single nucleotide variant.
Coding change: c.-4G>A on transcript NM_002834.5 (MANE Select); 4 bases upstream of the start codon, G replaced by A.
Molecular consequence: 5 prime UTR variant.
Genome position (GRCh38, 1-based): chr12:112,419,108, G>A. VCF-style: chr12-112419108-G-A. GRCh37 (hg19) VCF-style: chr12-112856912-G-A.
Other names: c.-4G>A (NM_001330437.2, NM_001374625.1, NM_080601.3).
Identifiers: ClinVar variation 4862750 (VCV004862750.1).
Genomic context (GRCh38, chr12:112,419,108, plus strand): 5'-GACCGAGCCCAGCGGAGCCTGAGCAAGGAGCGGGTCCGTCGCGGAGCCGGAGGGCGGGAG[G>A]AACATGACATCGCGGAGGTGAGGAGCCCCGAGGGGCCCGGCGCGGGCCTCGGCCCGGCCA-3'